The following is an entry in ClinVar:

NM_182961.4(SYNE1):c.9679G>A (p.Glu3227Lys)

Gene: SYNE1 (spectrin repeat containing nuclear envelope protein 1; minus strand). Cytogenetic location: 6q25.2.
Variant type: single nucleotide variant.
Coding change: c.9679G>A on transcript NM_182961.4 (MANE Select); coding-DNA position 9679, G replaced by A.
Protein change: p.Glu3227Lys; replaces glutamic acid 3227 with lysine.
Molecular consequence: missense variant.
Genome position (GRCh38, 1-based): chr6:152,369,100, C>T on the plus strand (G>A on the coding strand, the complement: SYNE1 is on the minus strand). VCF-style: chr6-152369100-C-T. GRCh37 (hg19) VCF-style: chr6-152690235-C-T.
Other names: c.9700G>A, p.Glu3234Lys (NM_033071.5); short protein forms E3227K, E3234K.
Identifiers: ClinVar variation 802283 (VCV000802283.13), dbSNP rs1024177161, ClinGen allele CA150218383.
Genomic context (GRCh38, chr6:152,369,100, plus strand): 5'-TGGCAGCTTGTCCTTCCCACAGCTGCTGAGCTTTCTCTTTCAGCCTGTTGAGCTGAGGCT[C>T]GTAGCAGTGTATTTCCTCAAGGACAGACTGAAAAGCACAAGCAAGTTACTATTCAGAGGC-3'
Protein context (NP_892006.3, residues 3217-3237): QSVLEEIHCY[Glu3227Lys]PQLNRLKEKA

ClinVar aggregate classification (germline): Uncertain significance. Review status: criteria provided, multiple submitters, no conflicts (2 of 4 stars). 5 submissions from 5 submitters: Uncertain significance (5). Last evaluated 2025-07-14.

Conditions:
Inborn genetic diseases. Identifiers: MedGen C0950123, MeSH D030342.
Emery-Dreifuss muscular dystrophy 4, autosomal dominant (EDMD4). Also called: EMERY-DREIFUSS MUSCULAR DYSTROPHY 4 WITH VARIABLE FEATURES. Identifiers: Orphanet 261, MedGen C2751807, MONDO:0013071, OMIM 612998.
Autosomal recessive ataxia, Beauce type. Also called: Spinocerebellar ataxia, autosomal recessive 8; ATAXIA, RECESSIVE, OF BEAUCE; SYNE1 Deficiency; SYNE1-Related Autosomal Recessive Cerebellar Ataxia. Identifiers: Orphanet 88644, MedGen C1853116, MONDO:0012549, OMIM 610743.

Allele frequency attached by ClinVar (database versions not stated): gnomAD exomes 0.00001 and 0.00002; gnomAD 0.00003; TOPMed 0.00003.
gnomAD v4.1: 19 of 1,613,780 alleles (0.0012%); highest among the groups gnomAD compares: Admixed American, 0.01%; no homozygotes.

Submissions (5):

Labcorp Genetics (formerly Invitae), Labcorp
Classification: Uncertain significance for Emery-Dreifuss muscular dystrophy 4, autosomal dominant; Autosomal recessive ataxia, Beauce type. Last evaluated: 2025-07-14. Review status: criteria provided, single submitter. Criteria: Invitae Variant Classification Sherloc (09022015). Collection method: clinical testing. Allele origin: germline.
Comment: This sequence change replaces glutamic acid, which is acidic and polar, with lysine, which is basic and polar, at codon 3234 of the SYNE1 protein (p.Glu3234Lys). This variant is present in population databases (no rsID available, gnomAD 0.01%). This variant has not been reported in the literature in individuals affected with SYNE1-related conditions. ClinVar contains an entry for this variant (Variation ID: 802283). An algorithm developed to predict the effect of missense changes on protein structure and function outputs the following: PolyPhen-2: "Benign". The lysine amino acid residue is found in multiple mammalian species, which suggests that this missense change does not adversely affect protein function. In summary, the available evidence is currently insufficient to determine the role of this variant in disease. Therefore, it has been classified as a Variant of Uncertain Significance.

GeneDx
Classification: Uncertain significance. Last evaluated: 2022-12-14. Review status: criteria provided, single submitter. Criteria: GeneDx Variant Classification Process June 2021. Collection method: clinical testing. Allele origin: germline. Affected: yes.
Comment: Not observed at significant frequency in large population cohorts (gnomAD); In silico analysis supports that this missense variant does not alter protein structure/function; Has not been previously published as pathogenic or benign to our knowledge; This variant is associated with the following publications: (PMID: 32686686)

Athena Diagnostics
Classification: Uncertain significance. Last evaluated: 2020-07-13. Review status: criteria provided, single submitter. Criteria: Athena Diagnostics Criteria. Collection method: clinical testing. Allele origin: unknown.

Mendelics
Classification: Uncertain significance for Autosomal recessive ataxia, Beauce type. Last evaluated: 2019-05-28. Review status: criteria provided, single submitter. Criteria: Mendelics Assertion Criteria 2017. Collection method: clinical testing. Allele origin: unknown.

Ambry Genetics
Classification: Uncertain significance for Inborn genetic diseases. Last evaluated: 2019-05-22. Review status: criteria provided, single submitter. Criteria: Ambry exome assertion method (8-5-2015). Collection method: clinical testing. Allele origin: germline. Affected: yes. Observed: 1 variant allele.